The following is an entry in ClinVar:

NM_016284.5(CNOT1):c.4864C>T (p.His1622Tyr)

Gene: CNOT1 (CCR4-NOT transcription complex subunit 1; minus strand). Cytogenetic location: 16q21.
Variant type: single nucleotide variant.
Coding change: c.4864C>T on transcript NM_016284.5 (MANE Select); coding-DNA position 4864, C replaced by T.
Protein change: p.His1622Tyr; replaces histidine 1622 with tyrosine.
Molecular consequence: missense variant. On other transcripts: non-coding transcript variant (1).
Genome position (GRCh38, 1-based): chr16:58,539,896, G>A on the plus strand (C>T on the coding strand, the complement: CNOT1 is on the minus strand). VCF-style: chr16-58539896-G-A. GRCh37 (hg19) VCF-style: chr16-58573800-G-A.
Other names: c.4849C>T, p.His1617Tyr (NM_001265612.2); short protein forms H1617Y, H1622Y.
Identifiers: ClinVar variation 2672637 (VCV002672637.24), dbSNP rs2040035599, ClinGen allele CA396167375.
Genomic context (GRCh38, chr16:58,539,896, plus strand): 5'-GACTTCGAAGAGCCTGAGCTTGAGGGTTCATGGCCAAAGTTGGTGGGATGGCATGTAGAT[G>A]TTGCTCCAGTTCTGTAATACACTTATCATAAATCTGAGCTACATCATCTGTTGCCCAAGC-3'
Protein context (NP_057368.3, residues 1612-1632): YDKCITELEQ[His1622Tyr]LHAIPPTLAM

ClinVar aggregate classification (germline): Uncertain significance. Review status: criteria provided, multiple submitters, no conflicts (2 of 4 stars). 2 submissions from 2 submitters: Uncertain significance (2). Last evaluated 2023-11-23.

Allele frequency attached by ClinVar (database versions not stated): gnomAD exomes below 0.00001.
gnomAD v4.1: 5 of 1,614,146 alleles (0.00031%); highest among the groups gnomAD compares: Non-Finnish European, 0.00034%; no homozygotes.

Submissions (2):

Blueprint Genetics
Classification: Uncertain significance. Last evaluated: 2023-11-23. Review status: criteria provided, single submitter. Criteria: ACMG Guidelines, 2015. Collection method: clinical testing. Allele origin: germline.

CeGaT Center for Human Genetics Tuebingen
Classification: Uncertain significance. Last evaluated: 2023-11-01. Review status: criteria provided, single submitter. Criteria: CeGaT Center For Human Genetics Tuebingen Variant Classification Criteria Version 2. Collection method: clinical testing. Allele origin: germline. Affected: yes. Observed: 1 variant allele.
Comment: CNOT1: PM2, PP2